The following is an entry in ClinVar:

NM_000531.6(OTC):c.822del (p.Lys276fs)

Gene: OTC (ornithine transcarbamylase; plus strand). Cytogenetic location: Xp11.4.
Variant type: Deletion.
Coding change: c.822del on transcript NM_000531.6 (MANE Select); coding-DNA position 822, one base deleted (G; older notation c.822delG).
Protein change: p.Lys276fs; shifts the reading frame from lysine 276.
Molecular consequence: frameshift variant.
Genome position (GRCh38, 1-based): chrX:38,408,980, G deleted. VCF-style (leftmost placement, unchanged base first): chrX-38408979-AG-A. GRCh37 (hg19) VCF-style: chrX-38268232-AG-A.
Other names: short protein forms K276fs.
Identifiers: ClinVar variation 1395169 (VCV001395169.6), dbSNP rs2147345229, ClinGen allele CA2573158666.
Genomic context (GRCh38, chrX:38,408,979, plus strand): 5'-CGCATGGAGGCAATGTATTAATTACAGACACTTGGATAAGCATGGGACAAGAAGAGGAGA[AG>A]AAAAAGCGGCTCCAGGCTTTCCAAGGTTACCAGGTTACAATGAAGGTACAAATTGATGCC-3'

ClinVar aggregate classification (germline): Pathogenic (1 of 4 stars; one submission).

Conditions:
Ornithine carbamoyltransferase deficiency (OTCD). Also called: ORNITHINE TRANSCARBAMYLASE DEFICIENCY; OTC DEFICIENCY; ORNITHINE TRANSCARBAMYLASE DEFICIENCY, HYPERAMMONEMIA DUE TO; Ornithine Carbamoyltransferase Deficiency Disease. Identifiers: Orphanet 664, MedGen C0268542, MONDO:0010703, OMIM 311250.

Submission:

Labcorp Genetics (formerly Invitae), Labcorp
Classification: Pathogenic for Ornithine carbamoyltransferase deficiency. Last evaluated: 2021-02-05. Review status: criteria provided, single submitter. Criteria: Invitae Variant Classification Sherloc (09022015). Collection method: clinical testing. Allele origin: germline.
Comment: For these reasons, this variant has been classified as Pathogenic. This variant has not been reported in the literature in individuals with OTC-related conditions. This variant is not present in population databases (ExAC no frequency). This sequence change creates a premature translational stop signal (p.Lys276Serfs*13) in the OTC gene. It is expected to result in an absent or disrupted protein product. Loss-of-function variants in OTC are known to be pathogenic (PMID: 10946359, 16786505).

Literature cited by the submitters: PubMed 10946359; PubMed 16786505.